The following is an entry in ClinVar:

ClinVar aggregate classification (germline): Uncertain significance (1 of 4 stars; one submission).

Conditions:
Sulfite oxidase deficiency due to molybdenum cofactor deficiency type C. Also called: Molybdenum cofactor deficiency C; Molybdenum cofactor deficiency, complementation group C. Identifiers: Orphanet 308400, Orphanet 833, MedGen C1854990, MONDO:0014212, OMIM 615501.

Submission:

Labcorp Genetics (formerly Invitae), Labcorp
Classification: Uncertain significance for Sulfite oxidase deficiency due to molybdenum cofactor deficiency type C. Last evaluated: 2025-01-05. Review status: criteria provided, single submitter. Criteria: Invitae Variant Classification Sherloc (09022015). Collection method: clinical testing. Allele origin: germline.
Comment: This sequence change replaces lysine, which is basic and polar, with arginine, which is basic and polar, at codon 361 of the GPHN protein (p.Lys361Arg). This variant is not present in population databases (gnomAD no frequency). This variant has not been reported in the literature in individuals affected with GPHN-related conditions. Invitae Evidence Modeling of protein sequence and biophysical properties (such as structural, functional, and spatial information, amino acid conservation, physicochemical variation, residue mobility, and thermodynamic stability) indicates that this missense variant is not expected to disrupt GPHN protein function with a negative predictive value of 80%. In summary, the available evidence is currently insufficient to determine the role of this variant in disease. Therefore, it has been classified as a Variant of Uncertain Significance.

NM_020806.5(GPHN):c.1082A>G (p.Lys361Arg)

Gene: GPHN (gephyrin; plus strand). Cytogenetic location: 14q23.3.
Variant type: single nucleotide variant.
Coding change: c.1082A>G on transcript NM_020806.5 (MANE Select); coding-DNA position 1082, A replaced by G.
Protein change: p.Lys361Arg; replaces lysine 361 with arginine.
Molecular consequence: missense variant.
Genome position (GRCh38, 1-based): chr14:67,058,724, A>G. VCF-style: chr14-67058724-A-G. GRCh37 (hg19) VCF-style: chr14-67525441-A-G.
Other names: c.983A>G, p.Lys328Arg (NM_001024218.2); c.1142A>G, p.Lys381Arg (NM_001377514.1); c.1112A>G, p.Lys371Arg (NM_001377515.1); c.1103A>G, p.Lys368Arg (NM_001377516.1); c.1055A>G, p.Lys352Arg (NM_001377517.1); c.1040A>G, p.Lys347Arg (NM_001377518.1); c.1022A>G, p.Lys341Arg (NM_001377519.1); short protein forms K368R, K361R, K381R, K341R, K328R, K347R, K352R, K371R.
Identifiers: ClinVar variation 3665462 (VCV003665462.2).